The following is an entry in ClinVar:

ClinVar aggregate classification (germline): Conflicting classifications of pathogenicity. Review status: criteria provided, conflicting classifications (1 of 4 stars). 5 submissions from 5 submitters: Uncertain significance (4); Likely benign (1). Last evaluated 2025-11-15.

Conditions:
Hereditary cancer-predisposing syndrome. Also called: Tumor predisposition; Hereditary neoplastic syndrome; Neoplastic Syndromes, Hereditary; Hereditary Cancer Syndrome. Identifiers: Orphanet 140162, MedGen C0027672, MeSH D009386, MONDO:0015356.
Multiple endocrine neoplasia, type 1 (MEN1). Also called: Endocrine adenomatosis multiple; MEN 1; MEN I; WERMER SYNDROME; MEA I. Identifiers: Orphanet 652, MedGen C0025267, MeSH D018761, MONDO:0007540, OMIM 131100.

Allele frequency attached by ClinVar (database versions not stated): ExAC 0.00001; gnomAD exomes 0.00001 and 0.00002; gnomAD 0.00003; TOPMed 0.00003.

Submissions (5):

Labcorp Genetics (formerly Invitae), Labcorp
Classification: Likely benign for Multiple endocrine neoplasia, type 1. Last evaluated: 2025-11-15. Review status: criteria provided, single submitter. Criteria: Invitae Variant Classification Sherloc (09022015). Collection method: clinical testing. Allele origin: germline.

Color Diagnostics, LLC DBA Color Health
Classification: Uncertain significance for Multiple endocrine neoplasia, type 1. Last evaluated: 2025-06-17. Review status: criteria provided, single submitter. Criteria: ACMG Guidelines, 2015. Collection method: clinical testing. Allele origin: germline.
Comment: This missense variant replaces asparagine with serine at codon 189 of the MEN1 protein. Computational prediction suggests that this variant may not impact protein structure and function. To our knowledge, functional studies have not been reported for this variant. This variant has been reported in an individual affected with MEN1 and other hereditary endocrine disorders (PMID: 26767918). This variant has been identified in 6/251382 chromosomes in the general population by the Genome Aggregation Database (gnomAD). The available evidence is insufficient to determine the role of this variant in disease conclusively. Therefore, this variant is classified as a Variant of Uncertain Significance.

Baylor Genetics
Classification: Uncertain significance for Multiple Endocrine Neoplasia Type 1. Last evaluated: 2024-02-27. Review status: criteria provided, single submitter. Criteria: ACMG Guidelines, 2015. Collection method: clinical testing. Allele origin: unknown.

Ambry Genetics
Classification: Uncertain significance for Hereditary cancer-predisposing syndrome. Last evaluated: 2023-12-05. Review status: criteria provided, single submitter. Criteria: Ambry Variant Classification Scheme 2023. Collection method: clinical testing. Allele origin: germline.
Comment: The p.N189S variant (also known as c.566A>G), located in coding exon 2 of the MEN1 gene, results from an A to G substitution at nucleotide position 566. The asparagine at codon 189 is replaced by serine, an amino acid with highly similar properties. This amino acid position is not well conserved in available vertebrate species. In addition, the in silico prediction for this alteration is inconclusive. Since supporting evidence is limited at this time, the clinical significance of this alteration remains unclear.

GeneDx
Classification: Uncertain significance. Last evaluated: 2023-03-03. Review status: criteria provided, single submitter. Criteria: GeneDx Variant Classification Process June 2021. Collection method: clinical testing. Allele origin: germline. Affected: yes.
Comment: In silico analysis supports that this missense variant does not alter protein structure/function; Observed in an individual with acute lymphoblastic leukemia (Zhang et al., 2015); This variant is associated with the following publications: (PMID: 9989505, 35268848, 26580448)

Literature cited by the submitters: PubMed 26767918 (cited by Color Diagnostics, LLC DBA Color Health); PubMed 26580448 (cited by Ambry Genetics).

NM_001370259.2(MEN1):c.566A>G (p.Asn189Ser)

Gene: MEN1 (menin 1; minus strand). Cytogenetic location: 11q13.1.
Variant type: single nucleotide variant.
Coding change: c.566A>G on transcript NM_001370259.2 (MANE Select); coding-DNA position 566, A replaced by G.
Protein change: p.Asn189Ser; replaces asparagine 189 with serine.
Molecular consequence: missense variant. On other transcripts: intron variant (2).
Genome position (GRCh38, 1-based): chr11:64,807,979, T>C on the plus strand (A>G on the coding strand, the complement: MEN1 is on the minus strand). VCF-style: chr11-64807979-T-C. GRCh37 (hg19) VCF-style: chr11-64575451-T-C.
Other names: c.581A>G, p.Asn194Ser (NM_000244.4, NM_130800.3, NM_130801.3 and 3 more transcripts); c.566A>G, p.Asn189Ser (NM_001370251.2, NM_001370260.2, NM_001370261.2 and 1 more transcripts); c.549+17A>G (NM_001370263.2, NM_001370262.2); short protein forms N189S, N194S.
Identifiers: ClinVar variation 136170 (VCV000136170.15), dbSNP rs587780844, ClinGen allele CA009502.